The following is an entry in ClinVar:

ClinVar aggregate classification (germline): Uncertain significance (1 of 4 stars; one submission).

Conditions:
Familial sleep-related hypermotor epilepsy. Also called: Autosomal Dominant Sleep-Related Hypermotor (Hyperkinetic) Epilepsy. Identifiers: Orphanet 98784, MedGen C3696898, MONDO:0000030.

Submission:

Labcorp Genetics (formerly Invitae), Labcorp
Classification: Uncertain significance. Last evaluated: 2019-10-02. Review status: criteria provided, single submitter. Criteria: Invitae Variant Classification Sherloc (09022015). Collection method: clinical testing. Allele origin: germline.
Comment: In summary, the available evidence is currently insufficient to determine the role of this variant in disease. Therefore, it has been classified as a Variant of Uncertain Significance. Algorithms developed to predict the effect of missense changes on protein structure and function (SIFT, PolyPhen-2, Align-GVGD) all suggest that this variant is likely to be tolerated, but these predictions have not been confirmed by published functional studies and their clinical significance is uncertain. This variant has not been reported in the literature in individuals with CHRNA4-related conditions. This variant is not present in population databases (ExAC no frequency). This sequence change replaces proline with threonine at codon 403 of the CHRNA4 protein (p.Pro403Thr). The proline residue is weakly conserved and there is a small physicochemical difference between proline and threonine.

NM_000744.7(CHRNA4):c.1207C>A (p.Pro403Thr)

Gene: CHRNA4 (cholinergic receptor nicotinic alpha 4 subunit; minus strand). Cytogenetic location: 20q13.33.
Variant type: single nucleotide variant.
Coding change: c.1207C>A on transcript NM_000744.7 (MANE Select); coding-DNA position 1207, C replaced by A.
Protein change: p.Pro403Thr; replaces proline 403 with threonine.
Molecular consequence: missense variant. On other transcripts: non-coding transcript variant (1).
Genome position (GRCh38, 1-based): chr20:63,350,204, G>T on the plus strand (C>A on the coding strand, the complement: CHRNA4 is on the minus strand). VCF-style: chr20-63350204-G-T. GRCh37 (hg19) VCF-style: chr20-61981556-G-T.
Other names: c.679C>A, p.Pro227Thr (NM_001256573.2); short protein forms P403T, P227T.
Identifiers: ClinVar variation 971004 (VCV000971004.9), dbSNP rs903340563, ClinGen allele CA409634093.